The following is an entry in ClinVar:

NM_133259.4(LRPPRC):c.3787del (p.Asp1263fs)

Gene: LRPPRC (leucine rich pentatricopeptide repeat containing; minus strand). Cytogenetic location: 2p21.
Variant type: Deletion.
Coding change: c.3787del on transcript NM_133259.4 (MANE Select); coding-DNA position 3787, one base deleted (G; older notation c.3787delG).
Protein change: p.Asp1263fs; shifts the reading frame from aspartic acid 1263.
Molecular consequence: frameshift variant.
Genome position (GRCh38, 1-based): chr2:43,899,257, C deleted on the plus strand (G on the coding strand, the reverse complement: LRPPRC is on the minus strand); the first of 2 consecutive C bases (chr2:43,899,257-43,899,258); deleting either gives the same sequence. VCF-style (leftmost placement, unchanged base first): chr2-43899256-TC-T. GRCh37 (hg19) VCF-style: chr2-44126395-TC-T.
Other names: short protein forms D1263fs.
Identifiers: ClinVar variation 1726329 (VCV001726329.2), dbSNP rs2466376448, ClinGen allele CA2580066480.

ClinVar aggregate classification (germline): Likely pathogenic (1 of 4 stars; one submission).

Conditions:
Congenital lactic acidosis, Saguenay-Lac-Saint-Jean type (MC4DN5). Also called: CYTOCHROME c OXIDASE DEFICIENCY, FRENCH CANADIAN TYPE; COX DEFICIENCY, FRENCH CANADIAN TYPE; MITOCHONDRIAL COMPLEX IV DEFICIENCY, NUCLEAR TYPE 5. Identifiers: Orphanet 70472, MedGen C1857355, MONDO:0009069, OMIM 220111.

Submission:

Myriad Genetics, Inc.
Classification: Likely pathogenic for Congenital lactic acidosis, Saguenay-Lac-Saint-Jean type. Last evaluated: 2021-12-16. Review status: criteria provided, single submitter. Criteria: Myriad Women's Health Autosomal Recessive and X-Linked Classification Criteria (2021). Collection method: clinical testing. Allele origin: unknown.
Comment: NM_133259.3(LRPPRC):c.3787delG(D1263Mfs*42) is expected to be pathogenic in the context of Leigh syndrome, French-Canadian type. This variant is predicted to lead to an abnormal or absent protein product due to the creation of a premature termination codon in LRPPRC, a gene where loss-of-function variants are known to be pathogenic. Please note: this variant was assessed in the context of healthy population screening.